The following is an entry in ClinVar:

NM_201384.3(PLEC):c.13568C>T (p.Ser4523Phe)

Gene: PLEC (plectin; minus strand). Cytogenetic location: 8q24.3.
Variant type: single nucleotide variant.
Coding change: c.13568C>T on transcript NM_201384.3 (MANE Select); coding-DNA position 13568, C replaced by T.
Protein change: p.Ser4523Phe; replaces serine 4523 with phenylalanine.
Molecular consequence: missense variant.
Genome position (GRCh38, 1-based): chr8:143,916,253, G>A on the plus strand (C>T on the coding strand, the complement: PLEC is on the minus strand). VCF-style: chr8-143916253-G-A. GRCh37 (hg19) VCF-style: chr8-144990421-G-A.
Other names: c.13649C>T, p.Ser4550Phe (NM_000445.5); c.10268C>T, p.Ser3423Phe (NM_001410941.1); c.13526C>T, p.Ser4509Phe (NM_201378.4); c.13502C>T, p.Ser4501Phe (NM_201379.3); c.13979C>T, p.Ser4660Phe (NM_201380.4); c.13472C>T, p.Ser4491Phe (NM_201381.3); c.13568C>T, p.Ser4523Phe (NM_201382.4); c.13580C>T, p.Ser4527Phe (NM_201383.3); short protein forms S4491F, S4501F, S4509F, S4527F, S3423F, S4523F, S4550F, S4660F.
Identifiers: ClinVar variation 2084881 (VCV002084881.4), dbSNP rs782566104, ClinGen allele CA372473702.

ClinVar aggregate classification (germline): Uncertain significance (1 of 4 stars; one submission).

Conditions:
Epidermolysis bullosa simplex 5C, with pyloric atresia (EBS5C). Also called: PLEC-Related Epidermolysis Bullosa with Pyloric Atresia; Epidermolysis bullosa simplex with pyloric atresia; PLEC1-Related Epidermolysis Bullosa with Pyloric Atresia. Identifiers: Orphanet 158684, MedGen C2677349, MONDO:0012807, OMIM 612138.
Epidermolysis bullosa simplex with nail dystrophy (EBS5D). Identifiers: MedGen C4225309, MONDO:0014661, OMIM 616487.
Epidermolysis bullosa simplex 5B, with muscular dystrophy (EBS5B). Also called: EPIDERMOLYSIS BULLOSA SIMPLEX AND LIMB-GIRDLE MUSCULAR DYSTROPHY; Epidermolysis bullosa simplex with muscular dystrophy. Identifiers: Orphanet 257, MedGen C2931072, MONDO:0009181, OMIM 226670.
Epidermolysis bullosa simplex, Ogna type (EBS5A). Also called: Pidermolysis bullosa simplex 5A, Ogna type; EPIDERMOLYSIS BULLOSA SIMPLEX 5A, OGNA TYPE. Identifiers: Orphanet 79401, MedGen C0432317, MONDO:0007555, OMIM 131950.
Autosomal recessive limb-girdle muscular dystrophy type 2Q (LGMDR17). Also called: MUSCULAR DYSTROPHY, LIMB-GIRDLE, AUTOSOMAL RECESSIVE 17. Identifiers: Orphanet 254361, MedGen C3150989, MONDO:0013390, OMIM 613723.

gnomAD v4.1: 1 of 1,548,484 alleles (0.000065%); highest among the groups gnomAD compares: South Asian, 0.0012%; no homozygotes.

Submission:

Labcorp Genetics (formerly Invitae), Labcorp
Classification: Uncertain significance for Autosomal recessive limb-girdle muscular dystrophy type 2Q; Epidermolysis bullosa simplex, Ogna type; Epidermolysis bullosa simplex with nail dystrophy; Epidermolysis bullosa simplex 5C, with pyloric atresia; Epidermolysis bullosa simplex 5B, with muscular dystrophy. Last evaluated: 2022-07-25. Review status: criteria provided, single submitter. Criteria: Invitae Variant Classification Sherloc (09022015). Collection method: clinical testing. Allele origin: germline.
Comment: This sequence change replaces serine, which is neutral and polar, with phenylalanine, which is neutral and non-polar, at codon 4550 of the PLEC protein (p.Ser4550Phe). This variant is not present in population databases (gnomAD no frequency). This variant has not been reported in the literature in individuals affected with PLEC-related conditions. Algorithms developed to predict the effect of missense changes on protein structure and function are either unavailable or do not agree on the potential impact of this missense change (SIFT: "Deleterious"; PolyPhen-2: "Not Available"; Align-GVGD: "Class C15"). In summary, the available evidence is currently insufficient to determine the role of this variant in disease. Therefore, it has been classified as a Variant of Uncertain Significance.